The following is an entry in ClinVar:

NM_004304.5(ALK):c.2317A>G (p.Ile773Val)

Gene: ALK (ALK receptor tyrosine kinase; minus strand). Cytogenetic location: 2p23.2.
Variant type: single nucleotide variant.
Coding change: c.2317A>G on transcript NM_004304.5 (MANE Select); coding-DNA position 2317, A replaced by G.
Protein change: p.Ile773Val; replaces isoleucine 773 with valine.
Molecular consequence: missense variant.
Genome position (GRCh38, 1-based): chr2:29,239,718, T>C on the plus strand (A>G on the coding strand, the complement: ALK is on the minus strand). VCF-style: chr2-29239718-T-C. GRCh37 (hg19) VCF-style: chr2-29462584-T-C.
Other names: short protein forms I773V.
Identifiers: ClinVar variation 3523183 (VCV003523183.1).

ClinVar aggregate classification (germline): Uncertain significance (1 of 4 stars; one submission).

Conditions:
Hereditary cancer-predisposing syndrome. Also called: Hereditary Cancer Syndrome; Hereditary neoplastic syndrome; Tumor predisposition; Neoplastic Syndromes, Hereditary. Identifiers: Orphanet 140162, MedGen C0027672, MeSH D009386, MONDO:0015356.

gnomAD v4.1: 2 of 1,614,046 alleles (0.00012%); highest among the groups gnomAD compares: Non-Finnish European, 0.00017%; no homozygotes.

Submission:

Ambry Genetics
Classification: Uncertain significance for Hereditary cancer-predisposing syndrome. Last evaluated: 2024-09-18. Review status: criteria provided, single submitter. Criteria: Ambry Variant Classification Scheme 2023. Collection method: clinical testing. Allele origin: germline.
Comment: The p.I773V variant (also known as c.2317A>G), located in coding exon 13 of the ALK gene, results from an A to G substitution at nucleotide position 2317. The isoleucine at codon 773 is replaced by valine, an amino acid with highly similar properties. This amino acid position is conserved. In addition, this alteration is predicted to be tolerated by in silico analysis. Based on the available evidence, the clinical significance of this variant remains unclear.